The following is an entry in ClinVar:

ClinVar aggregate classification (germline): Conflicting classifications of pathogenicity. Review status: criteria provided, conflicting classifications (1 of 4 stars). 4 submissions from 4 submitters: Uncertain significance (1); Likely benign (3). Last evaluated 2024-01-01.

Conditions:
Intellectual disability. Also called: Intellectual functioning disability; Intellectual developmental disorder; intellectual disabilities. Identifiers: MedGen C3714756, MeSH D008607, MONDO:0001071, HP:0001249.

Allele frequency attached by ClinVar (database versions not stated): gnomAD 0.00052 and 0.00068; TOPMed 0.00052; ESP Exome Variant Server 0.00054; 1000 Genomes Project 0.00200; 1000 Genomes Project 30x 0.00203.
gnomAD v4.1: 616 of 1,610,922 alleles (0.038%); highest among the groups gnomAD compares: South Asian, 0.45%; 5 homozygotes.

Submissions (4):

CeGaT Center for Human Genetics Tuebingen
Classification: Likely benign. Last evaluated: 2024-01-01. Review status: criteria provided, single submitter. Criteria: CeGaT Center For Human Genetics Tuebingen Variant Classification Criteria Version 2. Collection method: clinical testing. Allele origin: germline. Affected: yes. Observed: 4 variant alleles.
Comment: CDH15: BS2

Department of Pathology and Laboratory Medicine, Sinai Health System
Classification: Uncertain significance for intellectual disability. Last evaluated: 2022-12-01. Review status: criteria provided, single submitter. Criteria: ACMG Guidelines, 2015. Collection method: research. Allele origin: germline.

Labcorp Genetics (formerly Invitae), Labcorp
Classification: Likely benign. Last evaluated: 2019-12-31. Review status: criteria provided, single submitter. Criteria: Invitae Variant Classification Sherloc (09022015). Collection method: clinical testing. Allele origin: germline.

Breakthrough Genomics
Classification: Likely benign. Review status: criteria provided, single submitter. Criteria: ACMG Guidelines, 2015. Collection method: not provided. Allele origin: germline. Inheritance: Autosomal dominant inheritance. Affected: yes.

NM_004933.3(CDH15):c.160G>A (p.Val54Ile)

Gene: CDH15 (cadherin 15; plus strand). Cytogenetic location: 16q24.3.
Variant type: single nucleotide variant.
Coding change: c.160G>A on transcript NM_004933.3 (MANE Select); coding-DNA position 160, G replaced by A.
Protein change: p.Val54Ile; replaces valine 54 with isoleucine.
Molecular consequence: missense variant.
Genome position (GRCh38, 1-based): chr16:89,179,533, G>A. VCF-style: chr16-89179533-G-A. GRCh37 (hg19) VCF-style: chr16-89245941-G-A.
Other names: short protein forms V54I.
Identifiers: ClinVar variation 739776 (VCV000739776.30), dbSNP rs138572161, ClinGen allele CA8238702.
Genomic context (GRCh38, chr16:89,179,533, plus strand): 5'-TGGCGCCGGGCGCCTGCCCTGAGCCGCGTGCGGAGGGCCTGGGTCATCCCCCCGATCAGC[G>A]TATCCGAGAACCACAAGCGTCTCCCCTACCCCCTGGTTCAGGTGAGCAGGTGGAGGGGGC-3'
Protein context (NP_004924.1, residues 44-64): RRAWVIPPIS[Val54Ile]SENHKRLPYP